The following is an entry in ClinVar:

ClinVar aggregate classification (germline): Uncertain significance. Review status: criteria provided, multiple submitters, no conflicts (2 of 4 stars). 2 submissions from 2 submitters: Uncertain significance (2). Last evaluated 2024-02-17.

Conditions:
Parathyroid carcinoma (PRTC). Also called: CDC73-Related Parathyroid Carcinoma; Parathyroid gland carcinoma. Identifiers: Orphanet 143, MedGen C0687150, MONDO:0012004, OMIM 608266, HP:0006780.
Hereditary cancer-predisposing syndrome. Also called: Hereditary Cancer Syndrome; Tumor predisposition; Neoplastic Syndromes, Hereditary; Hereditary neoplastic syndrome. Identifiers: Orphanet 140162, MedGen C0027672, MeSH D009386, MONDO:0015356.

Allele frequency attached by ClinVar (database versions not stated): gnomAD exomes below 0.00001.
gnomAD v4.1: 3 of 1,602,216 alleles (0.00019%); highest among the groups gnomAD compares: Non-Finnish European, 0.00026%; no homozygotes.

Submissions (2):

Labcorp Genetics (formerly Invitae), Labcorp
Classification: Uncertain significance for Parathyroid carcinoma. Last evaluated: 2024-02-17. Review status: criteria provided, single submitter. Criteria: Invitae Variant Classification Sherloc (09022015). Collection method: clinical testing. Allele origin: germline.
Comment: This sequence change replaces aspartic acid, which is acidic and polar, with tyrosine, which is neutral and polar, at codon 468 of the CDC73 protein (p.Asp468Tyr). This variant is not present in population databases (gnomAD no frequency). This variant has not been reported in the literature in individuals affected with CDC73-related conditions. ClinVar contains an entry for this variant (Variation ID: 863291). Advanced modeling of protein sequence and biophysical properties (such as structural, functional, and spatial information, amino acid conservation, physicochemical variation, residue mobility, and thermodynamic stability) performed at Invitae indicates that this missense variant is not expected to disrupt CDC73 protein function with a negative predictive value of 80%. In summary, the available evidence is currently insufficient to determine the role of this variant in disease. Therefore, it has been classified as a Variant of Uncertain Significance.

Ambry Genetics
Classification: Uncertain significance for Hereditary cancer-predisposing syndrome. Last evaluated: 2023-09-29. Review status: criteria provided, single submitter. Criteria: Ambry Variant Classification Scheme 2023. Collection method: clinical testing. Allele origin: germline.
Comment: The p.D468Y variant (also known as c.1402G>T), located in coding exon 15 of the CDC73 gene, results from a G to T substitution at nucleotide position 1402. The aspartic acid at codon 468 is replaced by tyrosine, an amino acid with highly dissimilar properties. This amino acid position is conserved. In addition, this alteration is predicted to be deleterious by in silico analysis. Since supporting evidence is limited at this time, the clinical significance of this alteration remains unclear.

NM_024529.5(CDC73):c.1402G>T (p.Asp468Tyr)

Gene: CDC73 (cell division cycle 73; plus strand). Cytogenetic location: 1q31.2.
Variant type: single nucleotide variant.
Coding change: c.1402G>T on transcript NM_024529.5 (MANE Select); coding-DNA position 1402, G replaced by T.
Protein change: p.Asp468Tyr; replaces aspartic acid 468 with tyrosine.
Molecular consequence: missense variant.
Genome position (GRCh38, 1-based): chr1:193,236,341, G>T. VCF-style: chr1-193236341-G-T. GRCh37 (hg19) VCF-style: chr1-193205471-G-T.
Other names: short protein forms D468Y.
Identifiers: ClinVar variation 863291 (VCV000863291.11), dbSNP rs1677757493, ClinGen allele CA344078281.